The following is an entry in ClinVar:

NM_198576.4(AGRN):c.137_145del (p.Val46_Thr48del)

Gene: AGRN (agrin; plus strand). Cytogenetic location: 1p36.33.
Variant type: Deletion.
Coding change: c.137_145del on transcript NM_198576.4 (MANE Select); coding-DNA positions 137 to 145, 9 bases deleted (TGCTCACCG; older notation c.137_145delTGCTCACCG).
Protein change: p.Val46_Thr48del.
Molecular consequence: inframe deletion.
Genome position (GRCh38, 1-based): chr1:1,020,309-1,020,317, TGCTCACCG deleted; deleting any 9 consecutive bases within chr1:1,020,308-1,020,317 gives the same sequence; the c. name uses the placement nearest the transcript's 3' end. VCF-style (leftmost placement, unchanged base first): chr1-1020307-GGTGCTCACC-G. GRCh37 (hg19) VCF-style: chr1-955687-GGTGCTCACC-G.
Other names: c.137_145del, p.Val46_Thr48del (NM_001305275.2).
Identifiers: ClinVar variation 4726251 (VCV004726251.1).

ClinVar aggregate classification (germline): Uncertain significance (1 of 4 stars; one submission).

Conditions:
Congenital myasthenic syndrome 8. Also called: MYASTHENIC SYNDROME, CONGENITAL, DUE TO AGRIN DEFICIENCY; Myasthenic syndrome, congenital, 8, with pre- and postsynaptic defects. Identifiers: Orphanet 590, MedGen C3808739, MONDO:0014052, OMIM 615120.

Submission:

Labcorp Genetics (formerly Invitae), Labcorp
Classification: Uncertain significance for Congenital myasthenic syndrome 8. Last evaluated: 2025-09-09. Review status: criteria provided, single submitter. Criteria: Invitae Variant Classification Sherloc (09022015). Collection method: clinical testing. Allele origin: germline.
Comment: This variant, c.137_145del, results in the deletion of 3 amino acid(s) of the AGRN protein (p.Val46_Thr48del), but otherwise preserves the integrity of the reading frame. This variant is not present in population databases (gnomAD no frequency). This variant has not been reported in the literature in individuals affected with AGRN-related conditions. Experimental studies and prediction algorithms are not available or were not evaluated, and the functional significance of this variant is currently unknown. In summary, the available evidence is currently insufficient to determine the role of this variant in disease. Therefore, it has been classified as a Variant of Uncertain Significance.